The following is an entry in ClinVar:

ClinVar aggregate classification (germline): Benign/Likely benign. Review status: criteria provided, multiple submitters, no conflicts (2 of 4 stars). 3 submissions from 3 submitters: Benign (2); Likely benign (1). Last evaluated 2024-11-27.

Allele frequency attached by ClinVar (database versions not stated): 1000 Genomes Project 30x 0.12383; gnomAD 0.17318 and 0.17451; gnomAD exomes 0.18718.

Submissions (3):

Blueprint Genetics
Classification: Likely benign. Last evaluated: 2024-11-27. Review status: criteria provided, single submitter. Criteria: ACMG Guidelines, 2015. Collection method: clinical testing. Allele origin: germline.

Laboratory for Molecular Medicine, Mass General Brigham Personalized Medicine
Classification: Benign. Last evaluated: 2016-03-28. Review status: criteria provided, single submitter. Criteria: LMM Criteria. Collection method: clinical testing. Allele origin: germline.
Comment: Variant identified in a genome or exome case(s) and assessed due to predicted null impact of the variant or pathogenic assertions in the literature or databases. Disclaimer: This variant has not undergone full assessment. The following are preliminary notes: Frequency

Breakthrough Genomics
Classification: Benign. Review status: criteria provided, single submitter. Criteria: ACMG Guidelines, 2015. Collection method: not provided. Allele origin: germline. Inheritance: Autosomal recessive inheritance. Affected: yes.

NM_000265.7(NCF1):c.153+14=

Genes: NCF1 (neutrophil cytosolic factor 1; plus strand), LOC106029312 (Williams-Beuren syndrome medial block B recombination region; plus strand). Cytogenetic location: 7q11.23.
Variant type: single nucleotide variant.
Coding change: c.153+14= on transcript NM_000265.7 (MANE Select); 14 bases into the intron after coding-DNA position 153, no change from the reference sequence.
Molecular consequence: intron variant.
Genome position: GRCh38 VCF-style: chr7-74777361-T-T. GRCh37 (hg19) VCF-style: chr7-74191707-C-T.
Identifiers: ClinVar variation 403220 (VCV000403220.6), dbSNP rs707410.
Genomic context (GRCh38, chr7:74,777,361, plus strand): 5'-CGGAGAAGGTGGTCTACCGGCGCTTCACCGAGATCTACGAGTTCCATGTGAGTGTGGGGA[T=]GGAGGAGGGACAGGGACCCACCGTTCCAGCTCCACCCTTTGGGAAGGACCTTAGCCCAGG-3'